The following is an entry in ClinVar:

NM_000494.4(COL17A1):c.*8A>G

Gene: COL17A1 (collagen type XVII alpha 1 chain; minus strand). Cytogenetic location: 10q25.1.
Variant type: single nucleotide variant.
Coding change: c.*8A>G on transcript NM_000494.4 (MANE Select); 8 bases downstream of the stop codon, A replaced by G.
Molecular consequence: 3 prime UTR variant.
Genome position (GRCh38, 1-based): chr10:104,032,227, T>C on the plus strand (A>G on the coding strand, the complement: COL17A1 is on the minus strand). VCF-style: chr10-104032227-T-C. GRCh37 (hg19) VCF-style: chr10-105791985-T-C.
Other names: c.*8A>G (LRG_1249t1).
Identifiers: ClinVar variation 298680 (VCV000298680.7), dbSNP rs149754696, ClinGen allele CA5677548.

ClinVar aggregate classification (germline): Likely benign. Review status: criteria provided, single submitter (1 of 4 stars). 2 submissions from 2 submitters: Likely benign (1). 1 of the submissions does not count toward it. Last evaluated 2018-01-13.

Conditions:
COL17A1-related disorder. Also called: COL17A1-related condition.
Junctional epidermolysis bullosa, non-Herlitz type. Also called: EPIDERMOLYSIS BULLOSA JUNCTIONALIS, DISENTIS TYPE; EPIDERMOLYSIS BULLOSA JUNCTIONALIS, NON-HERLITZ TYPE; EPIDERMOLYSIS BULLOSA JUNCTIONALIS, PROGRESSIVE; EPIDERMOLYSIS BULLOSA JUNCTIONALIS, SEVERE NONLETHAL; Adult junctional epidermolysis bullosa; Epidermolysis bullosa, junctional, non-herlitz type, somatic mosaic revertant. Identifiers: Orphanet 251393, Orphanet 79402, Orphanet 79405, Orphanet 89840, MedGen C0268374, MONDO:0009180, OMIM 226650.

Allele frequency attached by ClinVar (database versions not stated): gnomAD exomes 0.00015 and 0.00039; ExAC 0.00055; gnomAD 0.00150 and 0.00158; ESP Exome Variant Server 0.00154; TOPMed 0.00166; 1000 Genomes Project 30x 0.00219; 1000 Genomes Project 0.00260.
gnomAD v4.1: 446 of 1,612,218 alleles (0.028%); highest among the groups gnomAD compares: African/African-American, 0.54%; 2 homozygotes.

Submissions (2):

Illumina Laboratory Services, Illumina
Classification: Likely benign for Junctional epidermolysis bullosa, non-Herlitz type. Last evaluated: 2018-01-13. Review status: criteria provided, single submitter. Criteria: ICSL Variant Classification Criteria 13 December 2019. Collection method: clinical testing. Allele origin: germline.
Comment: This variant was observed in the ICSL laboratory as part of a predisposition screen in an ostensibly healthy population. It had not been previously curated by ICSL or reported in the Human Gene Mutation Database (HGMD: prior to June 1st, 2018), and was therefore a candidate for classification through an automated scoring system. Utilizing variant allele frequency, disease prevalence and penetrance estimates, and inheritance mode, an automated score was calculated to assess if this variant is too frequent to cause the disease. Based on the score and internal cut-off values, a variant classified as likely benign is not then subjected to further curation. The score for this variant resulted in a classification of likely benign for this disease.

PreventionGenetics, part of Exact Sciences
Classification: Likely benign for COL17A1-related condition. Last evaluated: 2019-10-28. Review status: no assertion criteria provided. Collection method: clinical testing. Allele origin: germline. Not counted in ClinVar's aggregate classification.
Comment: This variant is classified as likely benign based on ACMG/AMP sequence variant interpretation guidelines (Richards et al. 2015 PMID: 25741868, with internal and published modifications).